The following is an entry in ClinVar:

NM_003737.4(DCHS1):c.5902C>T (p.Arg1968Cys)

Gene: DCHS1 (dachsous cadherin-related 1; minus strand). Cytogenetic location: 11p15.4.
Variant type: single nucleotide variant.
Coding change: c.5902C>T on transcript NM_003737.4 (MANE Select); coding-DNA position 5902, C replaced by T.
Protein change: p.Arg1968Cys; replaces arginine 1968 with cysteine.
Molecular consequence: missense variant.
Genome position (GRCh38, 1-based): chr11:6,627,137, G>A on the plus strand (C>T on the coding strand, the complement: DCHS1 is on the minus strand). VCF-style: chr11-6627137-G-A. GRCh37 (hg19) VCF-style: chr11-6648368-G-A.
Other names: c.5902C>T (NM_003737.2); short protein forms R1968C.
Identifiers: ClinVar variation 2884345 (VCV002884345.4), dbSNP rs776940800, ClinGen allele CA5859999.

ClinVar aggregate classification (germline): Uncertain significance. Review status: criteria provided, multiple submitters, no conflicts (2 of 4 stars). 2 submissions from 2 submitters: Uncertain significance (2). Last evaluated 2025-02-09.

Conditions:
Inborn genetic diseases. Identifiers: MedGen C0950123, MeSH D030342.

Allele frequency attached by ClinVar (database versions not stated): TOPMed 0.00003; ExAC 0.00001; gnomAD 0.00003.
gnomAD v4.1: 21 of 1,612,512 alleles (0.0013%); highest among the groups gnomAD compares: African/African-American, 0.0027%; no homozygotes.

Submissions (2):

Labcorp Genetics (formerly Invitae), Labcorp
Classification: Uncertain significance. Last evaluated: 2025-02-09. Review status: criteria provided, single submitter. Criteria: Invitae Variant Classification Sherloc (09022015). Collection method: clinical testing. Allele origin: germline.
Comment: This sequence change replaces arginine, which is basic and polar, with cysteine, which is neutral and slightly polar, at codon 1968 of the DCHS1 protein (p.Arg1968Cys). This variant is present in population databases (rs776940800, gnomAD 0.003%). This variant has not been reported in the literature in individuals affected with DCHS1-related conditions. ClinVar contains an entry for this variant (Variation ID: 2884345). Invitae Evidence Modeling of protein sequence and biophysical properties (such as structural, functional, and spatial information, amino acid conservation, physicochemical variation, residue mobility, and thermodynamic stability) indicates that this missense variant is expected to disrupt DCHS1 protein function with a positive predictive value of 80%. In summary, the available evidence is currently insufficient to determine the role of this variant in disease. Therefore, it has been classified as a Variant of Uncertain Significance.

Ambry Genetics
Classification: Uncertain significance for Inborn genetic diseases. Last evaluated: 2024-09-03. Review status: criteria provided, single submitter. Criteria: Ambry Variant Classification Scheme 2023. Collection method: clinical testing. Allele origin: germline.